The following is an entry in ClinVar:

NM_006941.4(SOX10):c.1080C>T (p.Thr360=)

Genes: POLR2F (RNA polymerase II, I and III subunit F; plus strand), SOX10 (SRY-box transcription factor 10; minus strand). Cytogenetic location: 22q13.1.
Variant type: single nucleotide variant.
Coding change: c.1080C>T on transcript NM_006941.4 (MANE Select); coding-DNA position 1080, C replaced by T.
Protein change: p.Thr360=; no amino-acid change (threonine 360 retained).
Molecular consequence: synonymous variant. On other transcripts: intron variant (3).
Genome position (GRCh38, 1-based): chr22:37,973,816, G>A on the plus strand (C>T on the coding strand, the complement: SOX10 is on the minus strand). VCF-style: chr22-37973816-G-A. GRCh37 (hg19) VCF-style: chr22-38369823-G-A.
Other names: c.*38+1506G>A (NM_001363825.1); c.293+6646G>A (NM_001301130.2, NM_001301131.2).
Identifiers: ClinVar variation 703593 (VCV000703593.60), dbSNP rs775757190, ClinGen allele CA10228534.

ClinVar aggregate classification (germline): Benign/Likely benign. Review status: criteria provided, multiple submitters, no conflicts (2 of 4 stars). 4 submissions from 4 submitters: Benign (1); Likely benign (2). 1 of the submissions does not count toward it. Last evaluated 2025-05-01.

Conditions:
SOX10-related disorder. Also called: SOX10-related condition.

Allele frequency attached by ClinVar (database versions not stated): TOPMed 0.00005; gnomAD 0.00003.
gnomAD v4.1: 36 of 1,599,776 alleles (0.0023%); highest among the groups gnomAD compares: Admixed American, 0.014%; no homozygotes.

Submissions (4):

CeGaT Center for Human Genetics Tuebingen
Classification: Likely benign. Last evaluated: 2025-05-01. Review status: criteria provided, single submitter. Criteria: CeGaT Center For Human Genetics Tuebingen Variant Classification Criteria Version 2. Collection method: clinical testing. Allele origin: germline. Affected: yes. Observed: 1 variant allele.
Comment: SOX10: BP4, BP7

Labcorp Genetics (formerly Invitae), Labcorp
Classification: Benign. Last evaluated: 2025-01-07. Review status: criteria provided, single submitter. Criteria: Invitae Variant Classification Sherloc (09022015). Collection method: clinical testing. Allele origin: germline.

Blueprint Genetics
Classification: Likely benign. Last evaluated: 2023-05-03. Review status: criteria provided, single submitter. Criteria: ACMG Guidelines, 2015. Collection method: clinical testing. Allele origin: germline.

PreventionGenetics, part of Exact Sciences
Classification: Likely benign for SOX10-related condition. Last evaluated: 2021-08-29. Review status: no assertion criteria provided. Collection method: clinical testing. Allele origin: germline. Not counted in ClinVar's aggregate classification.
Comment: This variant is classified as likely benign based on ACMG/AMP sequence variant interpretation guidelines (Richards et al. 2015 PMID: 25741868, with internal and published modifications).